The following is an entry in ClinVar:

ClinVar aggregate classification (germline): Uncertain significance. Review status: criteria provided, multiple submitters, no conflicts (2 of 4 stars). 4 submissions from 4 submitters: Uncertain significance (4). Last evaluated 2025-11-24.

Conditions:
Familial thoracic aortic aneurysm and aortic dissection (TAAD). Also called: Thoracic aortic aneurysms and dissections. Identifiers: Orphanet 91387, MedGen C4707243, MONDO:0019625.
Aortic aneurysm, familial thoracic 4 (AAT4). Also called: AORTIC ANEURYSM/AORTIC DISSECTION AND PATENT DUCTUS ARTERIOSUS. Identifiers: MedGen C1851504, MONDO:0007568, OMIM 132900.

gnomAD v4.1: 6 of 1,613,910 alleles (0.00037%); highest among the groups gnomAD compares: Middle Eastern, 0.033%; no homozygotes.

Submissions (4):

Labcorp Genetics (formerly Invitae), Labcorp
Classification: Uncertain significance for Aortic aneurysm, familial thoracic 4. Last evaluated: 2025-11-24. Review status: criteria provided, single submitter. Criteria: Invitae Variant Classification Sherloc (09022015). Collection method: clinical testing. Allele origin: germline.
Comment: This sequence change replaces alanine, which is neutral and non-polar, with serine, which is neutral and polar, at codon 1086 of the MYH11 protein (p.Ala1086Ser). This variant is not present in population databases (gnomAD no frequency). This variant has not been reported in the literature in individuals affected with MYH11-related conditions. ClinVar contains an entry for this variant (Variation ID: 264554). Invitae Evidence Modeling of protein sequence and biophysical properties (such as structural, functional, and spatial information, amino acid conservation, physicochemical variation, residue mobility, and thermodynamic stability) indicates that this missense variant is not expected to disrupt MYH11 protein function with a negative predictive value of 95%. In summary, the available evidence is currently insufficient to determine the role of this variant in disease. Therefore, it has been classified as a Variant of Uncertain Significance.

Color Diagnostics, LLC DBA Color Health
Classification: Uncertain significance for Familial thoracic aortic aneurysm and aortic dissection. Last evaluated: 2024-03-06. Review status: criteria provided, single submitter. Criteria: ACMG Guidelines, 2015. Collection method: clinical testing. Allele origin: germline.
Comment: This missense variant replaces alanine with serine at codon 1086 of the MYH11 protein. Computational prediction suggests that this variant may not impact protein structure and function (internally defined REVEL score threshold <= 0.5, PMID: 27666373). To our knowledge, functional studies have not been reported for this variant. This variant has not been reported in individuals affected with MYH11-related disorders in the literature. This variant has not been identified in the general population by the Genome Aggregation Database (gnomAD). The available evidence is insufficient to determine the role of this variant in disease conclusively. Therefore, this variant is classified as a Variant of Uncertain Significance.

GeneDx
Classification: Uncertain significance. Last evaluated: 2019-05-17. Review status: criteria provided, single submitter. Criteria: GeneDx Variant Classification Process June 2021. Collection method: clinical testing. Allele origin: germline. Affected: yes.
Comment: Has not been previously published as pathogenic or benign to our knowledge; Not observed in large population cohorts (Lek et al., 2016); Reported in ClinVar as a variant of uncertain significance (ClinVar Variant ID# 264554; Landrum et al., 2016); In silico analysis, which includes protein predictors and evolutionary conservation, supports that this variant does not alter protein structure/function

Ambry Genetics
Classification: Uncertain significance for Familial thoracic aortic aneurysm and aortic dissection. Last evaluated: 2017-05-12. Review status: criteria provided, single submitter. Criteria: Ambry Variant Classification Scheme 2023. Collection method: clinical testing. Allele origin: germline.
Comment: The p.A1079S variant (also known as c.3235G>T), located in coding exon 24 of the MYH11 gene, results from a G to T substitution at nucleotide position 3235. The alanine at codon 1079 is replaced by serine, an amino acid with similar properties. This amino acid position is well conserved in available vertebrate species. In addition, this alteration is predicted to be tolerated by in silico analysis. Since supporting evidence is limited at this time, the clinical significance of this alteration remains unclear.

NM_002474.3(MYH11):c.3235G>T (p.Ala1079Ser)

Gene: MYH11 (myosin heavy chain 11; minus strand). Cytogenetic location: 16p13.11.
Variant type: single nucleotide variant.
Coding change: c.3235G>T on transcript NM_002474.3 (MANE Select); coding-DNA position 3235, G replaced by T.
Protein change: p.Ala1079Ser; replaces alanine 1079 with serine.
Molecular consequence: missense variant.
Genome position (GRCh38, 1-based): chr16:15,737,507, C>A on the plus strand (G>T on the coding strand, the complement: MYH11 is on the minus strand). VCF-style: chr16-15737507-C-A. GRCh37 (hg19) VCF-style: chr16-15831364-C-A.
Other names: c.3256G>T, p.Ala1086Ser (NM_001040113.2, NM_001040114.2); c.3235G>T, p.Ala1079Ser (NM_022844.3); short protein forms A1079S, A1086S.
Identifiers: ClinVar variation 264554 (VCV000264554.16), dbSNP rs140479999, ClinGen allele CA10587890.